The following is an entry in ClinVar:

ClinVar aggregate classification (germline): Likely benign (0 of 4 stars; one submission).

Conditions:
CELSR3-related disorder. Also called: CELSR3-related condition.

Allele frequency attached by ClinVar (database versions not stated): TOPMed 0.00003; ExAC 0.00005; gnomAD 0.00006; gnomAD exomes 0.00007; ESP Exome Variant Server 0.00015.
gnomAD v4.1: 103 of 1,614,058 alleles (0.0064%); highest among the groups gnomAD compares: Non-Finnish European, 0.0083%; no homozygotes.

Submission:

PreventionGenetics, part of Exact Sciences
Classification: Likely benign for CELSR3-related condition. Last evaluated: 2019-10-30. Review status: no assertion criteria provided. Collection method: clinical testing. Allele origin: germline.
Comment: This variant is classified as likely benign based on ACMG/AMP sequence variant interpretation guidelines (Richards et al. 2015 PMID: 25741868, with internal and published modifications).

NM_001407.3(CELSR3):c.2478C>T (p.Tyr826=)

Gene: CELSR3 (cadherin EGF LAG seven-pass G-type receptor 3; minus strand). Cytogenetic location: 3p21.31.
Variant type: single nucleotide variant.
Coding change: c.2478C>T on transcript NM_001407.3 (MANE Select); coding-DNA position 2478, C replaced by T.
Protein change: p.Tyr826=; no amino-acid change (tyrosine 826 retained).
Molecular consequence: synonymous variant.
Genome position (GRCh38, 1-based): chr3:48,660,157, G>A on the plus strand (C>T on the coding strand, the complement: CELSR3 is on the minus strand). VCF-style: chr3-48660157-G-A. GRCh37 (hg19) VCF-style: chr3-48697590-G-A.
Identifiers: ClinVar variation 3045419 (VCV003045419.2), dbSNP rs142198045, ClinGen allele CA2385270.